The following is an entry in ClinVar:

ClinVar aggregate classification (germline): Benign/Likely benign. Review status: criteria provided, multiple submitters, no conflicts (2 of 4 stars). 3 submissions from 2 submitters: Benign (1); Likely benign (2). Last evaluated 2022-12-01.

Conditions:
Adult-onset proximal spinal muscular atrophy, autosomal dominant. Also called: Spinal muscular atrophy, late-onset, finkel type; FINKEL LATE-ADULT TYPE SMA. Identifiers: Orphanet 209335, MedGen C1854058, MONDO:0008453, OMIM 182980.
Amyotrophic lateral sclerosis type 8 (ALS8). Identifiers: Orphanet 803, MedGen C1837728, MONDO:0012077, OMIM 608627.

Allele frequency attached by ClinVar (database versions not stated): ExAC 0.00019; 1000 Genomes Project 0.00040; 1000 Genomes Project 30x 0.00062; gnomAD exomes 0.00121; gnomAD 0.00122 and 0.00126; TOPMed 0.00144.
gnomAD v4.1: 536 of 454,058 alleles (0.12%); highest among the groups gnomAD compares: Admixed American, 0.21%; 2 homozygotes.

Submissions (3):

CeGaT Center for Human Genetics Tuebingen
Classification: Benign. Last evaluated: 2022-12-01. Review status: criteria provided, single submitter. Criteria: CeGaT Center For Human Genetics Tuebingen Variant Classification Criteria Version 2. Collection method: clinical testing. Allele origin: germline. Affected: yes. Observed: 2 variant alleles.
Comment: VAPB: BS1, BS2

Illumina Laboratory Services, Illumina
Classification: Likely benign for Adult-onset proximal spinal muscular atrophy, autosomal dominant. Last evaluated: 2018-01-12. Review status: criteria provided, single submitter. Criteria: ICSL Variant Classification Criteria 13 December 2019. Collection method: clinical testing. Allele origin: germline.
Comment: This variant was observed in the ICSL laboratory as part of a predisposition screen in an ostensibly healthy population. It had not been previously curated by ICSL or reported in the Human Gene Mutation Database (HGMD: prior to June 1st, 2018), and was therefore a candidate for classification through an automated scoring system. Utilizing variant allele frequency, disease prevalence and penetrance estimates, and inheritance mode, an automated score was calculated to assess if this variant is too frequent to cause the disease. Based on the score and internal cut-off values, a variant classified as likely benign is not then subjected to further curation. The score for this variant resulted in a classification of likely benign for this disease.

Illumina Laboratory Services, Illumina
Classification: Likely benign for Amyotrophic lateral sclerosis type 8. Last evaluated: 2018-01-12. Review status: criteria provided, single submitter. Criteria: ICSL Variant Classification Criteria 13 December 2019. Collection method: clinical testing. Allele origin: germline.
Comment: the same text as in the submission from Illumina Laboratory Services, Illumina above.

NM_004738.5(VAPB):c.*5790G>A

Gene: VAPB (VAMP associated protein B and C; plus strand). Cytogenetic location: 20q13.32.
Variant type: single nucleotide variant.
Coding change: c.*5790G>A on transcript NM_004738.5 (MANE Select); 5790 bases downstream of the stop codon, G replaced by A.
Molecular consequence: 3 prime UTR variant. On other transcripts: non-coding transcript variant (1).
Genome position (GRCh38, 1-based): chr20:58,450,025, G>A. VCF-style: chr20-58450025-G-A. GRCh37 (hg19) VCF-style: chr20-57025081-G-A.
Other names: c.*5860G>A (NM_001195677.2).
Identifiers: ClinVar variation 339012 (VCV000339012.30), dbSNP rs192046748, ClinGen allele CA9924649.